The following is an entry in ClinVar:

NM_001931.5(DLAT):c.381+6T>G

Gene: DLAT (dihydrolipoamide S-acetyltransferase; plus strand). Cytogenetic location: 11q23.1.
Variant type: single nucleotide variant.
Coding change: c.381+6T>G on transcript NM_001931.5 (MANE Select); 6 bases into the intron after coding-DNA position 381, T replaced by G.
Molecular consequence: intron variant.
Genome position (GRCh38, 1-based): chr11:112,026,305, T>G. VCF-style: chr11-112026305-T-G. GRCh37 (hg19) VCF-style: chr11-111897029-T-G.
Other names: c.-86+6T>G (NM_001372042.1); c.381+6T>G (NM_001372031.1, NM_001372033.1, NM_001372035.1 and 4 more transcripts); c.364+23T>G (NM_001372040.1); c.348+6T>G (NM_001372034.1); c.255+6T>G (NM_001372036.1); c.213+6T>G (NM_001372037.1).
Identifiers: ClinVar variation 1426241 (VCV001426241.6), dbSNP rs1555179251, ClinGen allele CA601735998.

ClinVar aggregate classification (germline): Uncertain significance (1 of 4 stars; one submission).

Conditions:
Pyruvate dehydrogenase E2 deficiency (PDHDD). Also called: Dihydrolipoamide Acetyltransferase (E2) Deficiency; LACTIC ACIDEMIA DUE TO DEFECT OF E2 LIPOYL TRANSACETYLASE OF THE PYRUVATE DEHYDROGENASE COMPLEX. Identifiers: Orphanet 765, Orphanet 79244, MedGen C1855565, MONDO:0009502, OMIM 245348.

Allele frequency attached by ClinVar (database versions not stated): gnomAD exomes below 0.00001; gnomAD 0.00001 and 0.00002.
gnomAD v4.1: 3 of 540,394 alleles (0.00056%); highest among the groups gnomAD compares: Admixed American, 0.01%; no homozygotes.

Submission:

Labcorp Genetics (formerly Invitae), Labcorp
Classification: Uncertain significance for Pyruvate dehydrogenase E2 deficiency. Last evaluated: 2022-11-01. Review status: criteria provided, single submitter. Criteria: Invitae Variant Classification Sherloc (09022015). Collection method: clinical testing. Allele origin: germline.
Comment: In summary, the available evidence is currently insufficient to determine the role of this variant in disease. Therefore, it has been classified as a Variant of Uncertain Significance. Variants that disrupt the consensus splice site are a relatively common cause of aberrant splicing (PMID: 17576681, 9536098). Algorithms developed to predict the effect of sequence changes on RNA splicing suggest that this variant is not likely to affect RNA splicing. ClinVar contains an entry for this variant (Variation ID: 1426241). This variant has not been reported in the literature in individuals affected with DLAT-related conditions. The frequency data for this variant in the population databases is considered unreliable, as metrics indicate poor data quality at this position in the gnomAD database. This sequence change falls in intron 2 of the DLAT gene. It does not directly change the encoded amino acid sequence of the DLAT protein. It affects a nucleotide within the consensus splice site.

Literature cited by the submitters: PubMed 17576681; PubMed 9536098.